The following is an entry in ClinVar:

NM_173630.4(RTTN):c.6312A>T (p.Leu2104Phe)

Gene: RTTN (rotatin; minus strand). Cytogenetic location: 18q22.2.
Variant type: single nucleotide variant.
Coding change: c.6312A>T on transcript NM_173630.4 (MANE Select); coding-DNA position 6312, A replaced by T.
Protein change: p.Leu2104Phe; replaces leucine 2104 with phenylalanine.
Molecular consequence: missense variant.
Genome position (GRCh38, 1-based): chr18:70,017,516, T>A on the plus strand (A>T on the coding strand, the complement: RTTN is on the minus strand). VCF-style: chr18-70017516-T-A. GRCh37 (hg19) VCF-style: chr18-67684752-T-A.
Other names: c.3576A>T, p.Leu1192Phe (NM_001318520.2); c.6312A>T (NM_173630.3); short protein forms L2104F, L1192F.
Identifiers: ClinVar variation 2083977 (VCV002083977.7), dbSNP rs765307621, ClinGen allele CA8994699.

ClinVar aggregate classification (germline): Uncertain significance. Review status: criteria provided, multiple submitters, no conflicts (2 of 4 stars). 2 submissions from 2 submitters: Uncertain significance (2). Last evaluated 2025-03-24.

Conditions:
Inborn genetic diseases. Identifiers: MedGen C0950123, MeSH D030342.

gnomAD v4.1: 15 of 1,614,076 alleles (0.00093%); highest among the groups gnomAD compares: Non-Finnish European, 0.001%; no homozygotes.

Submissions (2):

Ambry Genetics
Classification: Uncertain significance for Inborn genetic diseases. Last evaluated: 2025-03-24. Review status: criteria provided, single submitter. Criteria: Ambry Variant Classification Scheme 2023. Collection method: clinical testing. Allele origin: germline.

Labcorp Genetics (formerly Invitae), Labcorp
Classification: Uncertain significance. Last evaluated: 2022-07-16. Review status: criteria provided, single submitter. Criteria: Invitae Variant Classification Sherloc (09022015). Collection method: clinical testing. Allele origin: germline.
Comment: This sequence change replaces leucine, which is neutral and non-polar, with phenylalanine, which is neutral and non-polar, at codon 2104 of the RTTN protein (p.Leu2104Phe). This variant is present in population databases (rs765307621, gnomAD 0.004%). This variant has not been reported in the literature in individuals affected with RTTN-related conditions. Algorithms developed to predict the effect of missense changes on protein structure and function output the following: SIFT: "Tolerated"; PolyPhen-2: "Benign"; Align-GVGD: "Class C0". The phenylalanine amino acid residue is found in multiple mammalian species, which suggests that this missense change does not adversely affect protein function. In summary, the available evidence is currently insufficient to determine the role of this variant in disease. Therefore, it has been classified as a Variant of Uncertain Significance.